The following is an entry in ClinVar:

NM_025081.3(NYNRIN):c.2263C>T (p.Pro755Ser)

Gene: NYNRIN (NYN domain and retroviral integrase containing; plus strand). Cytogenetic location: 14q12.
Variant type: single nucleotide variant.
Coding change: c.2263C>T on transcript NM_025081.3 (MANE Select); coding-DNA position 2263, C replaced by T.
Protein change: p.Pro755Ser; replaces proline 755 with serine.
Molecular consequence: missense variant.
Genome position (GRCh38, 1-based): chr14:24,410,057, C>T. VCF-style: chr14-24410057-C-T. GRCh37 (hg19) VCF-style: chr14-24879263-C-T.
Other names: short protein forms P755S.
Identifiers: ClinVar variation 4808626 (VCV004808626.1).
Genomic context (GRCh38, chr14:24,410,057, plus strand): 5'-AGTAAGCACCAGTTTCAGATGGAGGGGCTCCTGGGGGCTTGGGAGGGGGCCCCAAGGCAG[C>T]CACCTCGCCACCTGCAAGCGAACAGCACAGTGACCAGCTTCCAGAGGTACCACGAGGCCC-3'
Protein context (NP_079357.2, residues 745-765): LGAWEGAPRQ[Pro755Ser]PRHLQANSTV

ClinVar aggregate classification (germline): Uncertain significance (1 of 4 stars; one submission).

Submission:

Labcorp Genetics (formerly Invitae), Labcorp
Classification: Uncertain significance. Last evaluated: 2026-01-12. Review status: criteria provided, single submitter. Criteria: Invitae Variant Classification Sherloc (09022015). Collection method: clinical testing. Allele origin: germline.
Comment: This sequence change replaces proline, which is neutral and non-polar, with serine, which is neutral and polar, at codon 755 of the NYNRIN protein (p.Pro755Ser). This variant is present in population databases (rs559761812, gnomAD 0.002%). This variant has not been reported in the literature in individuals affected with NYNRIN-related conditions. An algorithm developed to predict the effect of missense changes on protein structure and function outputs the following: PolyPhen-2: "Not Available". The serine amino acid residue is found in multiple mammalian species, which suggests that this missense change does not adversely affect protein function. In summary, the available evidence is currently insufficient to determine the role of this variant in disease. Therefore, it has been classified as a Variant of Uncertain Significance.